The following is an entry in ClinVar:

ClinVar aggregate classification (germline): Conflicting classifications of pathogenicity. Review status: criteria provided, conflicting classifications (1 of 4 stars). 3 submissions from 3 submitters: Likely pathogenic (1); Uncertain significance (2). Last evaluated 2025-08-20.

Conditions:
Infantile-onset ascending hereditary spastic paralysis (IAHSP). Also called: Autosomal Recessive Juvenile Amyotrophic Lateral Sclerosis; Infantile-Onset Ascending Hereditary Spastic Paralysis (IAHSP). Identifiers: Orphanet 293168, MedGen C2931441, MONDO:0011797, OMIM 607225. Disease mechanism: loss of function.

Allele frequency attached by ClinVar (database versions not stated): gnomAD 0.00001; TOPMed 0.00001.
gnomAD v4.1: 33 of 1,613,590 alleles (0.002%); highest among the groups gnomAD compares: Non-Finnish European, 0.0026%; no homozygotes.

Submissions (3):

Athena Diagnostics
Classification: Uncertain significance. Last evaluated: 2025-08-20. Review status: criteria provided, single submitter. Criteria: Athena Diagnostics Criteria. Collection method: clinical testing. Allele origin: unknown.
Comment: Available data are insufficient to determine the clinical significance of the variant at this time. The frequency of this variant in the general population is uninformative in assessment of its pathogenicity. Polyphen and MutationTaster predict this amino acid change may be damaging to the protein.

Neurometabolic Diseases Laboratory, Bellvitge Biomedical Research Institute (IDIBELL)
Classification: Likely pathogenic for Infantile-onset ascending hereditary spastic paralysis. Last evaluated: 2023-04-27. Review status: criteria provided, single submitter. Criteria: ACMG Guidelines, 2015. Collection method: research. Allele origin: germline. Affected: yes.

Labcorp Genetics (formerly Invitae), Labcorp
Classification: Uncertain significance for Infantile-onset ascending hereditary spastic paralysis. Last evaluated: 2022-07-06. Review status: criteria provided, single submitter. Criteria: Invitae Variant Classification Sherloc (09022015). Collection method: clinical testing. Allele origin: germline.
Comment: This sequence change replaces glutamine, which is neutral and polar, with proline, which is neutral and non-polar, at codon 869 of the ALS2 protein (p.Gln869Pro). This variant is not present in population databases (gnomAD no frequency). This missense change has been observed in individual(s) with amyotrophic lateral sclerosis and/or clinical features of ALS2-related conditions (PMID: 23881933; Invitae). In at least one individual the data is consistent with being in trans (on the opposite chromosome) from a pathogenic variant. ClinVar contains an entry for this variant (Variation ID: 1014317). Algorithms developed to predict the effect of missense changes on protein structure and function are either unavailable or do not agree on the potential impact of this missense change (SIFT: "Tolerated"; PolyPhen-2: "Probably Damaging"; Align-GVGD: "Class C0"). In summary, the available evidence is currently insufficient to determine the role of this variant in disease. Therefore, it has been classified as a Variant of Uncertain Significance.

Literature cited by the submitters: PubMed 23881933 (cited by Athena Diagnostics and Labcorp Genetics (formerly Invitae), Labcorp); PubMed 37541188 (cited by Athena Diagnostics).

NM_020919.4(ALS2):c.2606A>C (p.Gln869Pro)

Gene: ALS2 (alsin Rho guanine nucleotide exchange factor ALS2; minus strand). Cytogenetic location: 2q33.1.
Variant type: single nucleotide variant.
Coding change: c.2606A>C on transcript NM_020919.4 (MANE Select); coding-DNA position 2606, A replaced by C.
Protein change: p.Gln869Pro; replaces glutamine 869 with proline.
Molecular consequence: missense variant.
Genome position (GRCh38, 1-based): chr2:201,729,158, T>G on the plus strand (A>C on the coding strand, the complement: ALS2 is on the minus strand). VCF-style: chr2-201729158-T-G. GRCh37 (hg19) VCF-style: chr2-202593881-T-G.
Other names: c.2606A>C (NM_020919.3); short protein forms Q869P.
Identifiers: ClinVar variation 1014317 (VCV001014317.33), dbSNP rs1355321952, ClinGen allele CA350323247.